The following is an entry in ClinVar:

ClinVar aggregate classification (germline): Uncertain significance (1 of 4 stars; one submission).

gnomAD v4.1: 1 of 1,196,265 alleles (0.000084%); highest among the groups gnomAD compares: African/African-American, 0.0017%; no homozygotes.

Submission:

Women's Health and Genetics/Laboratory Corporation of America, LabCorp
Classification: Uncertain significance. Last evaluated: 2025-02-21. Review status: criteria provided, single submitter. Criteria: LabCorp Variant Classification Summary - May 2015. Collection method: clinical testing. Allele origin: germline.
Comment: Variant summary: NLGN4X c.-5G>T is located in the untranslated mRNA region upstream of the initiation codon. The variant allele was found at a frequency of 5.5e-06 in 182441 control chromosomes (gnomAD). The available data on variant occurrences in the general population are insufficient to allow any conclusion about variant significance. To our knowledge, no occurrence of c.-5G>T in individuals affected with NLGN4X-Related Disorders and no experimental evidence demonstrating its impact on protein function have been reported. No submitters have cited clinical-significance assessments for this variant to ClinVar. Based on the evidence outlined above, the variant was classified as uncertain significance.

NM_181332.3(NLGN4X):c.-5G>T

Gene: NLGN4X (neuroligin 4 X-linked; minus strand). Cytogenetic location: Xp22.31.
Variant type: single nucleotide variant.
Coding change: c.-5G>T on transcript NM_181332.3 (MANE Select); 5 bases upstream of the start codon, G replaced by T.
Molecular consequence: 5 prime UTR variant.
Genome position (GRCh38, 1-based): chrX:6,151,471, C>A on the plus strand (G>T on the coding strand, the complement: NLGN4X is on the minus strand). VCF-style: chrX-6151471-C-A. GRCh37 (hg19) VCF-style: chrX-6069512-C-A.
Other names: c.-5G>T (NM_001282145.2, NM_001282146.2, NM_020742.4).
Identifiers: ClinVar variation 3768905 (VCV003768905.1).